The following is an entry in ClinVar:

NM_000059.4(BRCA2):c.577T>C (p.Ser193Pro)

Gene: BRCA2 (BRCA2 DNA repair associated; plus strand). Cytogenetic location: 13q13.1.
Variant type: single nucleotide variant.
Coding change: c.577T>C on transcript NM_000059.4 (MANE Select); coding-DNA position 577, T replaced by C.
Protein change: p.Ser193Pro; replaces serine 193 with proline.
Molecular consequence: missense variant. On other transcripts: non-coding transcript variant (1).
Genome position (GRCh38, 1-based): chr13:32,326,559, T>C. VCF-style: chr13-32326559-T-C. GRCh37 (hg19) VCF-style: chr13-32900696-T-C.
Other names: c.577T>C, p.Ser193Pro (NM_001406719.1, NM_001406720.1, NM_001406721.1 and 1 more transcripts); c.208T>C, p.Ser70Pro (NM_001406722.1); short protein forms S193P, S70P.
Identifiers: ClinVar variation 4757834 (VCV004757834.1).
Genomic context (GRCh38, chr13:32,326,559, plus strand): 5'-GGTCGTCAGACACCAAAACATATTTCTGAAAGTCTAGGAGCTGAGGTGGATCCTGATATG[T>C]CTTGGTCAAGTTCTTTAGCTACACCACCCACCCTTAGTTCTACTGTGCTCATAGGTAATA-3'
Protein context (NP_000050.3, residues 183-203): SLGAEVDPDM[Ser193Pro]WSSSLATPPT

ClinVar aggregate classification (germline): Uncertain significance (1 of 4 stars; one submission).

Conditions:
Hereditary cancer-predisposing syndrome. Also called: Tumor predisposition; Hereditary Cancer Syndrome; Neoplastic Syndromes, Hereditary; Hereditary neoplastic syndrome. Identifiers: Orphanet 140162, MedGen C0027672, MeSH D009386, MONDO:0015356.

Submission:

Color Diagnostics, LLC DBA Color Health
Classification: Uncertain significance for Hereditary cancer-predisposing syndrome. Last evaluated: 2025-09-09. Review status: criteria provided, single submitter. Criteria: ACMG Guidelines, 2015. Collection method: clinical testing. Allele origin: germline.
Comment: This missense variant replaces serine with proline at codon 193 of the BRCA2 protein. Computational prediction suggests that this variant may not impact protein structure and function. To our knowledge, functional studies have not been reported for this variant. This variant has not been reported in individuals affected with BRCA2-related disorders in the literature. This variant has not been identified in the general population by the Genome Aggregation Database (gnomAD). The available evidence is insufficient to determine the role of this variant in disease conclusively. Therefore, this variant is classified as a Variant of Uncertain Significance.